The following is an entry in ClinVar:

ClinVar aggregate classification (germline): Benign/Likely benign. Review status: criteria provided, multiple submitters, no conflicts (2 of 4 stars). 3 submissions from 3 submitters: Benign (1); Likely benign (2). Last evaluated 2025-12-10.

Conditions:
Inborn genetic diseases. Identifiers: MedGen C0950123, MeSH D030342.
MDH2-related disorder. Also called: MDH2-related condition.

Allele frequency attached by ClinVar (database versions not stated): gnomAD exomes 0.00005 and 0.00013; TOPMed 0.00006; gnomAD 0.00007; ESP Exome Variant Server 0.00008; ExAC 0.00020.
gnomAD v4.1: 80 of 1,609,478 alleles (0.005%); highest among the groups gnomAD compares: Non-Finnish European, 0.0048%; 1 homozygote.

Submissions (3):

PreventionGenetics, part of Exact Sciences
Classification: Likely benign for MDH2-related condition. Last evaluated: 2025-12-10. Review status: criteria provided, single submitter. Criteria: ACMG Guidelines, 2015. Collection method: clinical testing. Allele origin: germline.
Comment: This variant is classified as likely benign based on ACMG/AMP sequence variant interpretation guidelines (Richards et al. 2015 PMID: 25741868, with internal and published modifications).

Labcorp Genetics (formerly Invitae), Labcorp
Classification: Benign. Last evaluated: 2025-11-24. Review status: criteria provided, single submitter. Criteria: Invitae Variant Classification Sherloc (09022015). Collection method: clinical testing. Allele origin: germline.

Ambry Genetics
Classification: Likely benign for Inborn genetic diseases. Last evaluated: 2022-03-16. Review status: criteria provided, single submitter. Criteria: Ambry Variant Classification Scheme 2023. Collection method: clinical testing. Allele origin: germline.

NM_005918.4(MDH2):c.966G>A (p.Glu322=)

Gene: MDH2 (malate dehydrogenase 2; plus strand). Cytogenetic location: 7q11.23.
Variant type: single nucleotide variant.
Coding change: c.966G>A on transcript NM_005918.4 (MANE Select); coding-DNA position 966, G replaced by A.
Protein change: p.Glu322=; no amino-acid change (glutamic acid 322 retained).
Molecular consequence: synonymous variant.
Genome position (GRCh38, 1-based): chr7:76,066,359, G>A. VCF-style: chr7-76066359-G-A. GRCh37 (hg19) VCF-style: chr7-75695677-G-A.
Other names: c.840G>A, p.Glu280= (NM_001282403.2); c.645G>A, p.Glu215= (NM_001282404.2); c.966G>A (NM_005918.3).
Identifiers: ClinVar variation 1579118 (VCV001579118.11), dbSNP rs367928631, ClinGen allele CA4305783.
Genomic context (GRCh38, chr7:76,066,359, plus strand): 5'-CCTGGGCATCGGCAAAGTCTCCTCTTTTGAGGAGAAGATGATCTCGGATGCCATCCCCGA[G>A]CTGAAGGCCTCCATCAAGAAGGGGGAAGATTTCGTGAAGACCCTGAAGTGAGCCGCTGTG-3'
Protein context (NP_005909.2, residues 312-332): EEKMISDAIP[Glu322=]LKASIKKGED